The following is an entry in ClinVar:

NM_153240.5(NPHP3):c.3821GAG[1] (p.Gly1275del)

Genes: NPHP3 (nephrocystin 3; minus strand), NPHP3-ACAD11 (NPHP3-ACAD11 readthrough (NMD candidate); minus strand). Cytogenetic location: 3q22.1.
Variant type: Microsatellite.
Coding change: c.3821GAG[1] on transcript NM_153240.5 (MANE Select); one copy of the 3-base unit GAG starting at c.3821; the reference has two copies in a row; one copy, 3 bases deleted; also written c.3824_3826del.
Protein change: p.Gly1275del; deletes glycine 1275.
Molecular consequence: inframe deletion. On other transcripts: non-coding transcript variant (1).
Genome position (GRCh38, 1-based): chr3:132,682,077-132,682,079, CTC deleted on the plus strand (GAG on the coding strand, the reverse complement: NPHP3 is on the minus strand); deleting any 3 consecutive bases within chr3:132,682,077-132,682,084 gives the same sequence; the position shown is the placement nearest the transcript's 3' end. VCF-style (leftmost placement, unchanged base first): chr3-132682076-TCTC-T. GRCh37 (hg19) VCF-style: chr3-132400920-TCTC-T.
Other names: c.3824_3826del (NM_153240.5); short protein forms G1275del.
Identifiers: ClinVar variation 2632 (VCV000002632.10), dbSNP rs119456959, ClinGen allele CA115650.

ClinVar aggregate classification (germline): Pathogenic/Likely pathogenic. Review status: criteria provided, multiple submitters, no conflicts (2 of 4 stars). 4 submissions from 4 submitters: Pathogenic (1); Likely pathogenic (1). 2 of the submissions do not count toward it. Last evaluated 2024-01-17.

Conditions:
Nephronophthisis. Also called: Juvenile Nephronophthisis. Identifiers: Orphanet 655, MedGen C0687120, MONDO:0019005, HP:0000090.
NPHP3-related Meckel-like syndrome. Also called: Meckel syndrome type 7; GOLDSTON SYNDROME. Identifiers: Orphanet 3032, MedGen C2673885, MONDO:0009966, OMIM 267010.
Nephronophthisis 3 (NPHP3). Also called: Adolescent nephronophthisis. Identifiers: Orphanet 655, MedGen C1858392, MONDO:0011456, OMIM 604387.
Renal-hepatic-pancreatic dysplasia 1 (RHPD1). Identifiers: MedGen C3715199, MONDO:0008833, OMIM 208540.

Submissions (4):

Fulgent Genetics
Classification: Likely pathogenic for Renal-hepatic-pancreatic dysplasia 1; NPHP3-related Meckel-like syndrome; Nephronophthisis 3. Last evaluated: 2024-01-17. Review status: criteria provided, single submitter. Criteria: ACMG Guidelines, 2015. Collection method: clinical testing. Allele origin: germline.

Labcorp Genetics (formerly Invitae), Labcorp
Classification: Pathogenic for Nephronophthisis. Last evaluated: 2022-07-18. Review status: criteria provided, single submitter. Criteria: Invitae Variant Classification Sherloc (09022015). Collection method: clinical testing. Allele origin: germline.
Comment: This variant has been observed in individual(s) with nephronophthisis (PMID: 12872122). It has also been observed to segregate with disease in related individuals. For these reasons, this variant has been classified as Pathogenic. ClinVar contains an entry for this variant (Variation ID: 2632). This variant is also known as delG1275. This variant is present in population databases (rs119456959, gnomAD no frequency). This variant, c.3824_3826del, results in the deletion of 1 amino acid(s) of the NPHP3 protein (p.Gly1275del), but otherwise preserves the integrity of the reading frame.

OMIM
Classification: Pathogenic for NEPHRONOPHTHISIS 3. Last evaluated: 2003-08-01. Review status: no assertion criteria provided. Collection method: literature only. Allele origin: germline. Not counted in ClinVar's aggregate classification.

GeneReviews
No classification provided. Condition: Nephronophthisis. Review status: no classification provided. Collection method: literature only. Allele origin: germline. Affected: yes. Not counted in ClinVar's aggregate classification.

Literature cited by the submitters: PubMed 12872122 (cited by 3 submitters); PubMed 10631142 (cited by OMIM); NCBI Bookshelf NBK368475 (cited by GeneReviews).